The following is an entry in ClinVar:

NM_003803.4(MYOM1):c.617A>G (p.Lys206Arg)

Gene: MYOM1 (myomesin 1; minus strand). Cytogenetic location: 18p11.31.
Variant type: single nucleotide variant.
Coding change: c.617A>G on transcript NM_003803.4 (MANE Select); coding-DNA position 617, A replaced by G.
Protein change: p.Lys206Arg; replaces lysine 206 with arginine.
Molecular consequence: missense variant.
Genome position (GRCh38, 1-based): chr18:3,188,902, T>C on the plus strand (A>G on the coding strand, the complement: MYOM1 is on the minus strand). VCF-style: chr18-3188902-T-C. GRCh37 (hg19) VCF-style: chr18-3188900-T-C.
Other names: c.617A>G, p.Lys206Arg (NM_019856.2); short protein forms K206R.
Identifiers: ClinVar variation 239580 (VCV000239580.7), dbSNP rs548278691, ClinGen allele CA8875194.
Genomic context (GRCh38, chr18:3,188,902, plus strand): 5'-GCCTGTTTGGAAACCACAGACTGCCTGGATGCCGTGGACTGCCTGGATGCCGTGGACTGC[T>C]TGGATGCTGTGGACTGCTTGGATGCCGTGGACTGCTTAGATGCCGTGGTCTGCTTGGATG-3'
Protein context (NP_003794.3, residues 196-216): STASKQSTAS[Lys206Arg]QSTASRQSTA

ClinVar aggregate classification (germline): Conflicting classifications of pathogenicity. Review status: criteria provided, conflicting classifications (1 of 4 stars). 2 submissions from 2 submitters: Uncertain significance (1); Likely benign (1). Last evaluated 2025-09-29.

Conditions:
Hypertrophic cardiomyopathy. Also called: HYPERTROPHIC MYOCARDIOPATHY. Identifiers: Orphanet 217569, MedGen C0007194, MeSH D002312, MONDO:0005045, HP:0001639.

Allele frequency attached by ClinVar (database versions not stated): gnomAD 0.00003 and 0.00004; ExAC 0.00004; gnomAD exomes 0.00004 and 0.00009; 1000 Genomes Project 0.00020.
gnomAD v4.1: 127 of 1,609,120 alleles (0.0079%); highest among the groups gnomAD compares: Non-Finnish European, 0.01%; no homozygotes.

Submissions (2):

Labcorp Genetics (formerly Invitae), Labcorp
Classification: Uncertain significance for Hypertrophic cardiomyopathy. Last evaluated: 2025-09-29. Review status: criteria provided, single submitter. Criteria: Invitae Variant Classification Sherloc (09022015). Collection method: clinical testing. Allele origin: germline.
Comment: This sequence change replaces lysine, which is basic and polar, with arginine, which is basic and polar, at codon 206 of the MYOM1 protein (p.Lys206Arg). This variant is present in population databases (rs548278691, gnomAD 0.006%). This variant has not been reported in the literature in individuals affected with MYOM1-related conditions. ClinVar contains an entry for this variant (Variation ID: 239580). An algorithm developed to predict the effect of missense changes on protein structure and function outputs the following: PolyPhen-2: "Benign". The arginine amino acid residue is found in multiple mammalian species, which suggests that this missense change does not adversely affect protein function. In summary, the available evidence is currently insufficient to determine the role of this variant in disease. Therefore, it has been classified as a Variant of Uncertain Significance.

Ambry Genetics
Classification: Likely benign. Last evaluated: 2024-08-27. Review status: criteria provided, single submitter. Criteria: Ambry Variant Classification Scheme 2023. Collection method: clinical testing. Allele origin: germline.